The following is an entry in ClinVar:

ClinVar aggregate classification (germline): Likely pathogenic (1 of 4 stars; one submission).

Submission:

Labcorp Genetics (formerly Invitae), Labcorp
Classification: Likely pathogenic. Last evaluated: 2022-02-22. Review status: criteria provided, single submitter. Criteria: Invitae Variant Classification Sherloc (09022015). Collection method: clinical testing. Allele origin: germline.
Comment: In summary, the currently available evidence indicates that the variant is pathogenic, but additional data are needed to prove that conclusively. Therefore, this variant has been classified as Likely Pathogenic. Algorithms developed to predict the effect of sequence changes on RNA splicing suggest that this variant may disrupt the consensus splice site. This variant has not been reported in the literature in individuals affected with C10orf11-related conditions. This variant is not present in population databases (gnomAD no frequency). This sequence change affects a donor splice site in intron 3 of the C10orf11 gene. It is expected to disrupt RNA splicing. Variants that disrupt the donor or acceptor splice site typically lead to a loss of protein function (PMID: 16199547), and loss-of-function variants in C10orf11 are known to be pathogenic (PMID: 23395477, 29345414).

Literature cited by the submitters: PubMed 16199547; PubMed 23395477; PubMed 29345414.

NM_001305581.2(LRMDA):c.398+1G>C

Gene: LRMDA (leucine rich melanocyte differentiation associated; plus strand). Cytogenetic location: 10q22.3.
Variant type: single nucleotide variant.
Coding change: c.398+1G>C on transcript NM_001305581.2 (MANE Select); the canonical splice donor site of the intron after coding-DNA position 398, G replaced by C.
Molecular consequence: splice donor variant.
Genome position (GRCh38, 1-based): chr10:76,047,304, G>C. VCF-style: chr10-76047304-G-C. GRCh37 (hg19) VCF-style: chr10-77807062-G-C.
Other names: c.314+1G>C (NM_032024.5).
Identifiers: ClinVar variation 2102118 (VCV002102118.4), dbSNP rs769661892, ClinGen allele CA377401172.